The following is an entry in ClinVar:

ClinVar aggregate classification (germline): Pathogenic (1 of 4 stars; one submission).

Submission:

Labcorp Genetics (formerly Invitae), Labcorp
Classification: Pathogenic. Last evaluated: 2022-09-30. Review status: criteria provided, single submitter. Criteria: Invitae Variant Classification Sherloc (09022015). Collection method: clinical testing. Allele origin: germline.
Comment: For these reasons, this variant has been classified as Pathogenic. This variant has not been reported in the literature in individuals affected with LARS2-related conditions. This variant is not present in population databases (gnomAD no frequency). This sequence change creates a premature translational stop signal (p.Lys49Argfs*11) in the LARS2 gene. It is expected to result in an absent or disrupted protein product. Loss-of-function variants in LARS2 are known to be pathogenic (PMID: 23541342, 30737337).

Literature cited by the submitters: PubMed 23541342; PubMed 30737337.

NM_015340.4(LARS2):c.146_147del (p.Lys49fs)

Gene: LARS2 (leucyl-tRNA synthetase 2, mitochondrial; plus strand). Cytogenetic location: 3p21.31.
Variant type: Deletion.
Coding change: c.146_147del on transcript NM_015340.4 (MANE Select); coding-DNA positions 146 to 147, 2 bases deleted (AA; older notation c.146_147delAA).
Protein change: p.Lys49fs; shifts the reading frame from lysine 49.
Molecular consequence: frameshift variant.
Genome position (GRCh38, 1-based): chr3:45,394,599-45,394,600, AA deleted; deleting any 2 consecutive bases within chr3:45,394,597-45,394,600 gives the same sequence; the c. name uses the placement nearest the transcript's 3' end. VCF-style (leftmost placement, unchanged base first): chr3-45394596-CAA-C. GRCh37 (hg19) VCF-style: chr3-45436088-CAA-C.
Other names: c.146_147del, p.Lys49fs (NM_001368263.1); short protein forms K49fs.
Identifiers: ClinVar variation 2033454 (VCV002033454.4), dbSNP rs1215562006, ClinGen allele CA1361656757.